The following is an entry in ClinVar:

ClinVar aggregate classification (germline): Uncertain significance (1 of 4 stars; one submission).

Conditions:
Congenital myopathy 4A, autosomal dominant (CMYO4A). Identifiers: MedGen CN178536, MONDO:0800341, OMIM 255310.

Submission:

3billion
Classification: Uncertain significance for Congenital myopathy 4A, autosomal dominant. Last evaluated: 2024-08-01. Review status: criteria provided, single submitter. Criteria: ACMG Guidelines, 2015. Collection method: clinical testing. Allele origin: germline. Affected: yes.
Comment: The variant is not observed in the gnomAD v4.0.0 dataset. Predicted Consequence/Location: Missense changes are a common disease-causing mechanism. In silico tool predictions suggest damaging effect of the variant on gene or gene product [REVEL: 0.98 (>=0.6, sensitivity 0.68 and specificity 0.92); 3Cnet: 0.99 (>=0.6, sensitivity 0.72 and precision 0.9)]. Therefore, this variant is classified as VUS according to the recommendation of ACMG/AMP guideline.

NM_152263.4(TPM3):c.284T>C (p.Leu95Pro)

Gene: TPM3 (tropomyosin 3; minus strand). Cytogenetic location: 1q21.3.
Variant type: single nucleotide variant.
Coding change: c.284T>C on transcript NM_152263.4 (MANE Select); coding-DNA position 284, T replaced by C.
Protein change: p.Leu95Pro; replaces leucine 95 with proline.
Molecular consequence: missense variant. On other transcripts: 5 prime UTR variant (1), non-coding transcript variant (1), intron variant (1).
Genome position (GRCh38, 1-based): chr1:154,176,208, A>G on the plus strand (T>C on the coding strand, the complement: TPM3 is on the minus strand). VCF-style: chr1-154176208-A-G. GRCh37 (hg19) VCF-style: chr1-154148684-A-G.
Other names: c.173T>C, p.Leu58Pro (NM_001043352.2, NM_001043353.2, NM_001278189.2 and 5 more transcripts); c.-98T>C (NM_001278191.2); c.284T>C, p.Leu95Pro (NM_001364679.2, NM_001364680.2, NM_001364681.2 and 1 more transcripts); c.69-3007T>C (NM_001278188.2); short protein forms L58P, L95P.
Identifiers: ClinVar variation 4292783 (VCV004292783.1).